The following is an entry in ClinVar:

ClinVar aggregate classification (germline): Uncertain significance (1 of 4 stars; one submission).

Allele frequency attached by ClinVar (database versions not stated): gnomAD 0.00001; gnomAD exomes 0.00001.
gnomAD v4.1: 4 of 1,614,022 alleles (0.00025%); highest among the groups gnomAD compares: East Asian, 0.0067%; no homozygotes.

Submission:

Labcorp Genetics (formerly Invitae), Labcorp
Classification: Uncertain significance. Last evaluated: 2022-10-12. Review status: criteria provided, single submitter. Criteria: Invitae Variant Classification Sherloc (09022015). Collection method: clinical testing. Allele origin: germline.
Comment: In summary, the available evidence is currently insufficient to determine the role of this variant in disease. Therefore, it has been classified as a Variant of Uncertain Significance. Algorithms developed to predict the effect of missense changes on protein structure and function are either unavailable or do not agree on the potential impact of this missense change (SIFT: "Deleterious"; PolyPhen-2: "Benign"; Align-GVGD: "Class C25"). This variant has not been reported in the literature in individuals affected with MAPKAPK3-related conditions. This variant is not present in population databases (gnomAD no frequency). This sequence change replaces lysine, which is basic and polar, with arginine, which is basic and polar, at codon 255 of the MAPKAPK3 protein (p.Lys255Arg).

NM_001243925.2(MAPKAPK3):c.764A>G (p.Lys255Arg)

Gene: MAPKAPK3 (MAPK activated protein kinase 3; plus strand). Cytogenetic location: 3p21.2.
Variant type: single nucleotide variant.
Coding change: c.764A>G on transcript NM_001243925.2 (MANE Select); coding-DNA position 764, A replaced by G.
Protein change: p.Lys255Arg; replaces lysine 255 with arginine.
Molecular consequence: missense variant.
Genome position (GRCh38, 1-based): chr3:50,646,199, A>G. VCF-style: chr3-50646199-A-G. GRCh37 (hg19) VCF-style: chr3-50683630-A-G.
Other names: c.764A>G, p.Lys255Arg (NM_001243926.2, NM_004635.5); short protein forms K255R.
Identifiers: ClinVar variation 2002372 (VCV002002372.4), dbSNP rs1168548018, ClinGen allele CA352934364.